The following is an entry in ClinVar:

NM_025009.5(CEP135):c.1091C>T (p.Thr364Ile)

Gene: CEP135 (centrosomal protein 135; plus strand). Cytogenetic location: 4q12.
Variant type: single nucleotide variant.
Coding change: c.1091C>T on transcript NM_025009.5 (MANE Select); coding-DNA position 1091, C replaced by T.
Protein change: p.Thr364Ile; replaces threonine 364 with isoleucine.
Molecular consequence: missense variant.
Genome position (GRCh38, 1-based): chr4:55,969,109, C>T. VCF-style: chr4-55969109-C-T. GRCh37 (hg19) VCF-style: chr4-56835275-C-T.
Other names: c.1091C>T (NM_025009.4); short protein forms T364I.
Identifiers: ClinVar variation 1908652 (VCV001908652.28), dbSNP rs201345682, ClinGen allele CA2927763.

ClinVar aggregate classification (germline): Conflicting classifications of pathogenicity. Review status: criteria provided, conflicting classifications (1 of 4 stars). 3 submissions from 3 submitters: Uncertain significance (2); Likely benign (1). Last evaluated 2025-10-26.

Conditions:
CEP135-related disorder. Also called: CEP135-related condition.

Allele frequency attached by ClinVar (database versions not stated): gnomAD exomes 0.00004; ExAC 0.00005; TOPMed 0.00006; gnomAD 0.00007.
gnomAD v4.1: 65 of 1,612,362 alleles (0.004%); highest among the groups gnomAD compares: Admixed American, 0.0034%; no homozygotes.

Submissions (3):

PreventionGenetics, part of Exact Sciences
Classification: Likely benign for CEP135-related condition. Last evaluated: 2025-10-26. Review status: criteria provided, single submitter. Criteria: ACMG Guidelines, 2015. Collection method: clinical testing. Allele origin: germline.
Comment: This variant is classified as likely benign based on ACMG/AMP sequence variant interpretation guidelines (Richards et al. 2015 PMID: 25741868, with internal and published modifications).

CeGaT Center for Human Genetics Tuebingen
Classification: Uncertain significance. Last evaluated: 2024-02-01. Review status: criteria provided, single submitter. Criteria: CeGaT Center For Human Genetics Tuebingen Variant Classification Criteria Version 2. Collection method: clinical testing. Allele origin: germline. Affected: yes. Observed: 1 variant allele.
Comment: CEP135: PM2:Supporting, BP4

Labcorp Genetics (formerly Invitae), Labcorp
Classification: Uncertain significance. Last evaluated: 2022-08-06. Review status: criteria provided, single submitter. Criteria: Invitae Variant Classification Sherloc (09022015). Collection method: clinical testing. Allele origin: germline.
Comment: This sequence change replaces threonine, which is neutral and polar, with isoleucine, which is neutral and non-polar, at codon 364 of the CEP135 protein (p.Thr364Ile). This variant is present in population databases (rs201345682, gnomAD 0.2%). In summary, the available evidence is currently insufficient to determine the role of this variant in disease. Therefore, it has been classified as a Variant of Uncertain Significance. Algorithms developed to predict the effect of missense changes on protein structure and function (SIFT, PolyPhen-2, Align-GVGD) all suggest that this variant is likely to be tolerated. This variant has not been reported in the literature in individuals affected with CEP135-related conditions.